The following is an entry in ClinVar:

NM_002335.4(LRP5):c.1817C>T (p.Ala606Val)

Gene: LRP5 (LDL receptor related protein 5; plus strand). Cytogenetic location: 11q13.2.
Variant type: single nucleotide variant.
Coding change: c.1817C>T on transcript NM_002335.4 (MANE Select); coding-DNA position 1817, C replaced by T.
Protein change: p.Ala606Val; replaces alanine 606 with valine.
Molecular consequence: missense variant.
Genome position (GRCh38, 1-based): chr11:68,406,539, C>T. VCF-style: chr11-68406539-C-T. GRCh37 (hg19) VCF-style: chr11-68174007-C-T.
Other names: c.74C>T, p.Ala25Val (NM_001291902.2); c.1817C>T (NM_002335.2); short protein forms A25V, A606V.
Identifiers: ClinVar variation 2038969 (VCV002038969.5), dbSNP rs750804004, ClinGen allele CA6149463.
Genomic context (GRCh38, chr11:68,406,539, plus strand): 5'-CTGGGCTGTTGATGTTTAGACTGGAGCCTCTGTGTTCGCTTCCAGGAACCAACCCGTGTG[C>T]GGACAGGAACGGGGGGTGCAGCCACCTGTGCTTCTTCACACCCCACGCAACCCGGTGTGG-3'
Protein context (NP_002326.2, residues 596-616): VAKVVGTNPC[Ala606Val]DRNGGCSHLC

ClinVar aggregate classification (germline): Uncertain significance. Review status: criteria provided, multiple submitters, no conflicts (2 of 4 stars). 2 submissions from 2 submitters: Uncertain significance (2). Last evaluated 2024-09-25.

Conditions:
Inborn genetic diseases. Identifiers: MedGen C0950123, MeSH D030342.

Allele frequency attached by ClinVar (database versions not stated): TOPMed 0.00005; gnomAD 0.00005; ExAC 0.00001.
gnomAD v4.1: 20 of 1,613,998 alleles (0.0012%); highest among the groups gnomAD compares: African/African-American, 0.017%; no homozygotes.

Submissions (2):

Ambry Genetics
Classification: Uncertain significance for Inborn genetic diseases. Last evaluated: 2024-09-25. Review status: criteria provided, single submitter. Criteria: Ambry Variant Classification Scheme 2023. Collection method: clinical testing. Allele origin: germline.

Labcorp Genetics (formerly Invitae), Labcorp
Classification: Uncertain significance. Last evaluated: 2024-07-23. Review status: criteria provided, single submitter. Criteria: Invitae Variant Classification Sherloc (09022015). Collection method: clinical testing. Allele origin: germline.
Comment: This sequence change replaces alanine, which is neutral and non-polar, with valine, which is neutral and non-polar, at codon 606 of the LRP5 protein (p.Ala606Val). This variant is present in population databases (rs750804004, gnomAD 0.01%). This variant has not been reported in the literature in individuals affected with LRP5-related conditions. ClinVar contains an entry for this variant (Variation ID: 2038969). Advanced modeling of protein sequence and biophysical properties (such as structural, functional, and spatial information, amino acid conservation, physicochemical variation, residue mobility, and thermodynamic stability) has been performed at Invitae for this missense variant, however the output from this modeling did not meet the statistical confidence thresholds required to predict the impact of this variant on LRP5 protein function. In summary, the available evidence is currently insufficient to determine the role of this variant in disease. Therefore, it has been classified as a Variant of Uncertain Significance.